The following is an entry in ClinVar:

NM_001346249.2(RALGAPA1):c.1198G>A (p.Val400Ile)

Gene: RALGAPA1 (Ral GTPase activating protein catalytic subunit alpha 1; minus strand). Cytogenetic location: 14q13.2.
Variant type: single nucleotide variant.
Coding change: c.1198G>A on transcript NM_001346249.2 (MANE Select); coding-DNA position 1198, G replaced by A.
Protein change: p.Val400Ile; replaces valine 400 with isoleucine.
Molecular consequence: missense variant.
Genome position (GRCh38, 1-based): chr14:35,748,638, C>T on the plus strand (G>A on the coding strand, the complement: RALGAPA1 is on the minus strand). VCF-style: chr14-35748638-C-T. GRCh37 (hg19) VCF-style: chr14-36217844-C-T.
Other names: c.1198G>A, p.Val400Ile (NM_001283043.3, NM_001283044.3, NM_001330075.3 and 7 more transcripts); short protein forms V400I.
Identifiers: ClinVar variation 3054862 (VCV003054862.2), dbSNP rs200804312, ClinGen allele CA7157138.

ClinVar aggregate classification (germline): Likely benign (0 of 4 stars; one submission).

Conditions:
RALGAPA1-related disorder. Also called: RALGAPA1-related condition.

Allele frequency attached by ClinVar (database versions not stated): gnomAD exomes 0.00011; gnomAD 0.00020; ExAC 0.00031; TOPMed 0.00032; 1000 Genomes Project 0.00060; 1000 Genomes Project 30x 0.00094.
gnomAD v4.1: 186 of 1,611,314 alleles (0.012%); highest among the groups gnomAD compares: East Asian, 0.38%; no homozygotes.

Submission:

PreventionGenetics, part of Exact Sciences
Classification: Likely benign for RALGAPA1-related condition. Last evaluated: 2023-05-03. Review status: no assertion criteria provided. Collection method: clinical testing. Allele origin: germline.
Comment: This variant is classified as likely benign based on ACMG/AMP sequence variant interpretation guidelines (Richards et al. 2015 PMID: 25741868, with internal and published modifications).